The following is an entry in ClinVar:

NM_001692.4(ATP6V1B1):c.1002_1004delinsTG (p.Val335fs)

Gene: ATP6V1B1 (ATPase H+ transporting V1 subunit B1; plus strand). Cytogenetic location: 2p13.3.
Variant type: Indel.
Coding change: c.1002_1004delinsTG on transcript NM_001692.4 (MANE Select); coding-DNA positions 1002 to 1004, CGT replaced by TG.
Protein change: p.Val335fs; shifts the reading frame from valine 335.
Molecular consequence: frameshift variant.
Genome position (GRCh38, 1-based): chr2:70,963,254-70,963,256, CGT replaced by TG. VCF-style: chr2-70963254-CGT-TG. GRCh37 (hg19) VCF-style: chr2-71190384-CGT-TG.
Other names: short protein forms V335fs.
Identifiers: ClinVar variation 1804732 (VCV001804732.1), dbSNP rs2466301518, ClinGen allele CA2580067746.

ClinVar aggregate classification (germline): Likely pathogenic (1 of 4 stars; one submission).

Conditions:
Renal tubular acidosis with progressive nerve deafness. Also called: RENAL TUBULAR ACIDOSIS, AUTOSOMAL RECESSIVE, WITH PROGRESSIVE NERVE DEAFNESS; RTA WITH PROGRESSIVE NERVE DEAFNESS; renal tubular acidosis, distal, 2, with progressive sensorineural hearing loss; Distal Renal Tubular Acidosis with Progressive Sensorineural Deafness. Identifiers: MedGen C0403554, MONDO:0009968, OMIM 267300.

Submission:

Women's Health and Genetics/Laboratory Corporation of America, LabCorp
Classification: Likely pathogenic for Renal tubular acidosis with progressive nerve deafness. Last evaluated: 2022-11-15. Review status: criteria provided, single submitter. Criteria: LabCorp Variant Classification Summary - May 2015. Collection method: clinical testing. Allele origin: germline.
Comment: Variant summary: ATP6V1B1 c.1002_1004delinsTG (p.Val335GlyfsX28) results in a premature termination codon, predicted to cause a truncation of the encoded protein or absence of the protein due to nonsense mediated decay, which are commonly known mechanisms for disease. Truncations downstream of this position have been classified as pathogenic within ClinVar (e.g. c.1155dup [p.Ile386fs], c.1356del [p.Phe452fs]). The variant was absent in 251080 control chromosomes (gnomAD). To our knowledge, no occurrence of c.1002_1004delinsTG in individuals affected with Renal Tubular Acidosis With Progressive Nerve Deafness and no experimental evidence demonstrating its impact on protein function have been reported. No clinical diagnostic laboratories have submitted clinical-significance assessments for this variant to ClinVar after 2014. Based on the evidence outlined above, the variant was classified as likely pathogenic.